The following is an entry in ClinVar:

NM_005732.4(RAD50):c.845T>C (p.Met282Thr)

Gene: RAD50 (RAD50 double strand break repair protein; plus strand). Cytogenetic location: 5q31.1.
Variant type: single nucleotide variant.
Coding change: c.845T>C on transcript NM_005732.4 (MANE Select); coding-DNA position 845, T replaced by C.
Protein change: p.Met282Thr; replaces methionine 282 with threonine.
Molecular consequence: missense variant.
Genome position (GRCh38, 1-based): chr5:132,587,650, T>C. VCF-style: chr5-132587650-T-C. GRCh37 (hg19) VCF-style: chr5-131923342-T-C.
Other names: short protein forms M282T.
Identifiers: ClinVar variation 2565953 (VCV002565953.3), dbSNP rs1554098168, ClinGen allele CA360940391.

ClinVar aggregate classification (germline): Uncertain significance (1 of 4 stars; one submission).

Conditions:
Hereditary cancer-predisposing syndrome. Also called: Neoplastic Syndromes, Hereditary; Hereditary Cancer Syndrome; Hereditary neoplastic syndrome; Tumor predisposition. Identifiers: Orphanet 140162, MedGen C0027672, MeSH D009386, MONDO:0015356.

Allele frequency attached by ClinVar (database versions not stated): gnomAD exomes below 0.00001.
gnomAD v4.1: 1 of 1,613,660 alleles (0.000062%); highest among the groups gnomAD compares: Non-Finnish European, 0.000085%; no homozygotes.

Submission:

Ambry Genetics
Classification: Uncertain significance for Hereditary cancer-predisposing syndrome. Last evaluated: 2025-07-04. Review status: criteria provided, single submitter. Criteria: Ambry Variant Classification Scheme 2023. Collection method: clinical testing. Allele origin: germline.
Comment: The p.M282T variant (also known as c.845T>C), located in coding exon 6 of the RAD50 gene, results from a T to C substitution at nucleotide position 845. The methionine at codon 282 is replaced by threonine, an amino acid with similar properties. This amino acid position is conserved. In addition, the in silico prediction for this alteration is inconclusive. Since supporting evidence is limited at this time, the clinical significance of this alteration remains unclear.